The following is an entry in ClinVar:

ClinVar aggregate classification (germline): Benign/Likely benign. Review status: criteria provided, multiple submitters, no conflicts (2 of 4 stars). 4 submissions from 4 submitters: Benign (1); Likely benign (3). Last evaluated 2025-03-26.

Conditions:
Hereditary cancer-predisposing syndrome. Also called: Hereditary neoplastic syndrome; Tumor predisposition; Neoplastic Syndromes, Hereditary; Hereditary Cancer Syndrome. Identifiers: Orphanet 140162, MedGen C0027672, MeSH D009386, MONDO:0015356.
Peutz-Jeghers syndrome (PJS). Also called: POLYPOSIS, HAMARTOMATOUS INTESTINAL; POLYPS-AND-SPOTS SYNDROME; Peutz-Jeghers polyposis; Periorificial lentiginosis syndrome. Identifiers: Orphanet 2869, MedGen C0031269, MeSH D010580, MONDO:0008280, OMIM 175200.

Submissions (4):

Myriad Genetics, Inc.
Classification: Benign for Peutz-Jeghers syndrome. Last evaluated: 2025-03-26. Review status: criteria provided, single submitter. Criteria: Myriad Autosomal Dominant, Autosomal Recessive and X-Linked Classification Criteria (2023). Collection method: clinical testing. Allele origin: unknown.
Comment: This variant is considered benign. This variant is a silent/synonymous amino acid change and it is not expected to impact splicing.

Ambry Genetics
Classification: Likely benign for Hereditary cancer-predisposing syndrome. Last evaluated: 2023-01-12. Review status: criteria provided, single submitter. Criteria: Ambry Variant Classification Scheme 2023. Collection method: clinical testing. Allele origin: germline.

Labcorp Genetics (formerly Invitae), Labcorp
Classification: Likely benign for Peutz-Jeghers syndrome. Last evaluated: 2022-11-25. Review status: criteria provided, single submitter. Criteria: Invitae Variant Classification Sherloc (09022015). Collection method: clinical testing. Allele origin: germline.

Color Diagnostics, LLC DBA Color Health
Classification: Likely benign for Hereditary cancer-predisposing syndrome. Last evaluated: 2017-11-06. Review status: criteria provided, single submitter. Criteria: ACMG Guidelines, 2015. Collection method: clinical testing. Allele origin: germline.

NM_000455.5(STK11):c.513C>T (p.Gly171=)

Gene: STK11 (serine/threonine kinase 11; plus strand). Cytogenetic location: 19p13.3.
Variant type: single nucleotide variant.
Coding change: c.513C>T on transcript NM_000455.5 (MANE Select); coding-DNA position 513, C replaced by T.
Protein change: p.Gly171=; no amino-acid change (glycine 171 retained).
Molecular consequence: synonymous variant. On other transcripts: non-coding transcript variant (1).
Genome position (GRCh38, 1-based): chr19:1,220,421, C>T. VCF-style: chr19-1220421-C-T. GRCh37 (hg19) VCF-style: chr19-1220420-C-T.
Other names: c.513C>T, p.Gly171= (NM_001407255.1).
Identifiers: ClinVar variation 2451998 (VCV002451998.7), dbSNP rs2145424303, ClinGen allele CA504892309.